The following is an entry in ClinVar:

NM_001371623.1(TCOF1):c.2630G>A (p.Ser877Asn)

Gene: TCOF1 (treacle ribosome biogenesis factor 1; plus strand). Cytogenetic location: 5q32.
Variant type: single nucleotide variant.
Coding change: c.2630G>A on transcript NM_001371623.1 (MANE Select); coding-DNA position 2630, G replaced by A.
Protein change: p.Ser877Asn; replaces serine 877 with asparagine.
Molecular consequence: missense variant.
Genome position (GRCh38, 1-based): chr5:150,379,380, G>A. VCF-style: chr5-150379380-G-A. GRCh37 (hg19) VCF-style: chr5-149758943-G-A.
Other names: c.2630G>A (NM_001135243.1); c.2399G>A, p.Ser800Asn (NM_000356.4, NM_001135245.2); c.2630G>A, p.Ser877Asn (NM_001008657.3, NM_001135243.2, NM_001135244.2 and 1 more transcripts); short protein forms S800N, S877N.
Identifiers: ClinVar variation 2760242 (VCV002760242.4), dbSNP rs372635193, ClinGen allele CA3511209.

ClinVar aggregate classification (germline): Uncertain significance. Review status: criteria provided, multiple submitters, no conflicts (2 of 4 stars). 2 submissions from 2 submitters: Uncertain significance (2). Last evaluated 2024-12-26.

Conditions:
Treacher Collins syndrome 1 (TCS1). Also called: TCOF1-Related Treacher Collins Syndrome. Identifiers: Orphanet 861, MedGen CN315775, MONDO:0007944, OMIM 154500.

Allele frequency attached by ClinVar (database versions not stated): gnomAD 0.00001; gnomAD exomes 0.00001; ExAC 0.00002; TOPMed 0.00002; ESP Exome Variant Server 0.00008.
gnomAD v4.1: 23 of 1,614,050 alleles (0.0014%); highest among the groups gnomAD compares: Non-Finnish European, 0.0019%; no homozygotes.

Submissions (2):

GeneDx
Classification: Uncertain significance. Last evaluated: 2024-12-26. Review status: criteria provided, single submitter. Criteria: GeneDx Variant Classification Process June 2021. Collection method: clinical testing. Allele origin: germline.
Comment: In silico analysis supports that this missense variant has a deleterious effect on protein structure/function; Has not been previously published as pathogenic or benign to our knowledge

Labcorp Genetics (formerly Invitae), Labcorp
Classification: Uncertain significance for Treacher Collins syndrome 1. Last evaluated: 2023-02-14. Review status: criteria provided, single submitter. Criteria: Invitae Variant Classification Sherloc (09022015). Collection method: clinical testing. Allele origin: germline.
Comment: In summary, the available evidence is currently insufficient to determine the role of this variant in disease. Therefore, it has been classified as a Variant of Uncertain Significance. Advanced modeling of protein sequence and biophysical properties (such as structural, functional, and spatial information, amino acid conservation, physicochemical variation, residue mobility, and thermodynamic stability) performed at Invitae indicates that this missense variant is not expected to disrupt TCOF1 protein function. This variant has not been reported in the literature in individuals affected with TCOF1-related conditions. This variant is present in population databases (rs372635193, gnomAD 0.004%). This sequence change replaces serine, which is neutral and polar, with asparagine, which is neutral and polar, at codon 877 of the TCOF1 protein (p.Ser877Asn).